The following is an entry in ClinVar:

ClinVar aggregate classification (germline): Pathogenic. Review status: criteria provided, multiple submitters, no conflicts (2 of 4 stars). 2 submissions from 2 submitters: Pathogenic (2). Last evaluated 2026-08-19.

Conditions:
Progressive familial intrahepatic cholestasis type 3. Also called: Low Gamma-GT Familial Intrahepatic Cholestasis; MDR3 DEFICIENCY. Identifiers: Orphanet 79305, MedGen C1865643, MONDO:0011214, OMIM 602347.
Cholestasis, intrahepatic, of pregnancy, 3. Identifiers: Orphanet 69665, MedGen C3554241, MONDO:0013995, OMIM 614972.

Submissions (2):

Molecular Genetics Laboratory, CHU Lille
Classification: Pathogenic for Progressive familial intrahepatic cholestasis type 3. Last evaluated: 2026-08-19. Review status: criteria provided, single submitter. Criteria: ACMG Guidelines, 2015. Collection method: clinical testing. Allele origin: germline. Affected: yes.
Comment: This variant creates a premature translational stop signal (Asp682MetfsTer17) in the ABCB4 gene and likely results in an absent or disrupted protein product. In summary, this variant meets the criteria to be classified as pathogenic for PFIC3 based on the applied ACMG/AMP guidelines (PVS1, PP5, PM2).

Gregorio Maranon General University Hospital, Gregorio Maranon Health Research Institute
Classification: Pathogenic for Cholestasis, intrahepatic, of pregnancy, 3. Review status: criteria provided, single submitter. Criteria: ACMG Guidelines, 2015. Collection method: clinical testing. Allele origin: unknown. Inheritance: Autosomal dominant inheritance. Affected: yes. Observed: 1 heterozygote.

NM_000443.4(ABCB4):c.2044del (p.Asp682fs)

Gene: ABCB4 (ATP binding cassette subfamily B member 4; minus strand). Cytogenetic location: 7q21.12.
Variant type: Deletion.
Coding change: c.2044del on transcript NM_000443.4 (MANE Select); coding-DNA position 2044, one base deleted (G; older notation c.2044delG).
Protein change: p.Asp682fs; shifts the reading frame from aspartic acid 682.
Molecular consequence: frameshift variant.
Genome position (GRCh38, 1-based): chr7:87,426,770, C deleted on the plus strand (G on the coding strand, the reverse complement: ABCB4 is on the minus strand). VCF-style (leftmost placement, unchanged base first): chr7-87426769-TC-T. GRCh37 (hg19) VCF-style: chr7-87056085-TC-T.
Other names: c.2044del, p.Asp682fs (NM_018849.3, NM_018850.3); c.2044del (NM_018849.2); c.2044delG (NM_018849.2); short protein forms D682fs.
Identifiers: ClinVar variation 617459 (VCV000617459.3), dbSNP rs1562965036, ClinGen allele CA913189579.